The following is an entry in ClinVar:

ClinVar aggregate classification (germline): Benign. Review status: criteria provided, multiple submitters, no conflicts (2 of 4 stars). 9 submissions from 9 submitters: Benign (7). 2 of the submissions do not count toward it. Last evaluated 2026-02-04.

Conditions:
Usher syndrome type 2C. Also called: Usher syndrome, type 2B; USHER SYNDROME, TYPE IIC. Identifiers: Orphanet 231178, Orphanet 886, MedGen C2931213, MONDO:0011558, OMIM 605472.

Allele frequency attached by ClinVar (database versions not stated): 1000 Genomes Project 0.01737; gnomAD 0.03116 and 0.03213; gnomAD exomes 0.03118 and 0.04202; 1000 Genomes Project 30x 0.01827; ExAC 0.03008; TOPMed 0.03440; ESP Exome Variant Server 0.03483.
gnomAD v4.1: 66,141 of 1,612,324 alleles (4.1%); highest among the groups gnomAD compares: Middle Eastern, 4.8%; 1,614 homozygotes.

Submissions (9):

Labcorp Genetics (formerly Invitae), Labcorp
Classification: Benign. Last evaluated: 2026-02-04. Review status: criteria provided, single submitter. Criteria: Invitae Variant Classification Sherloc (09022015). Collection method: clinical testing. Allele origin: germline.

Mayo Clinic Laboratories, Mayo Clinic
Classification: Benign. Last evaluated: 2022-04-22. Review status: criteria provided, single submitter. Criteria: ACMG Guidelines, 2015. Collection method: clinical testing. Allele origin: germline. Observed: 6 variant alleles.

Illumina Laboratory Services, Illumina
Classification: Benign for Usher syndrome type 2C. Last evaluated: 2018-01-12. Review status: criteria provided, single submitter. Criteria: ICSL Variant Classification Criteria 13 December 2019. Collection method: clinical testing. Allele origin: germline.
Comment: This variant was observed in the ICSL laboratory as part of a predisposition screen in an ostensibly healthy population. It had not been previously curated by ICSL or reported in the Human Gene Mutation Database (HGMD: prior to June 1st, 2018), and was therefore a candidate for classification through an automated scoring system. Utilizing variant allele frequency, disease prevalence and penetrance estimates, and inheritance mode, an automated score was calculated to assess if this variant is too frequent to cause the disease. Based on the score and internal cut-off values, a variant classified as benign is not then subjected to further curation. The score for this variant resulted in a classification of benign for this disease.

Athena Diagnostics
Classification: Benign. Last evaluated: 2017-07-11. Review status: criteria provided, single submitter. Criteria: Athena Diagnostics Criteria. Collection method: clinical testing. Allele origin: germline.

GeneDx
Classification: Benign. Last evaluated: 2013-03-20. Review status: criteria provided, single submitter. Criteria: GeneDx Variant Classification (06012015). Collection method: clinical testing. Allele origin: germline. Affected: yes.
Comment: This variant is considered likely benign or benign based on one or more of the following criteria: it is a conservative change, it occurs at a poorly conserved position in the protein, it is predicted to be benign by multiple in silico algorithms, and/or has population frequency not consistent with disease.

Laboratory for Molecular Medicine, Mass General Brigham Personalized Medicine
Classification: Benign. Last evaluated: 2011-03-14. Review status: criteria provided, single submitter. Criteria: LMM Criteria. Collection method: clinical testing. Allele origin: germline. Observed: 150 variant alleles.

PreventionGenetics, part of Exact Sciences
Classification: Benign. Review status: criteria provided, single submitter. Criteria: ACMG Guidelines, 2015. Collection method: clinical testing. Allele origin: germline.

Genetic Services Laboratory, University of Chicago
Classification: Likely benign. Review status: no assertion criteria provided. Collection method: clinical testing. Allele origin: germline. Inheritance: Autosomal dominant inheritance. Not counted in ClinVar's aggregate classification.
Comment: Likely benign based on allele frequency in 1000 Genomes Project or ESP global frequency and its presence in a patient with a rare or unrelated disease phenotype. NOT Sanger confirmed

NEI Ophthalmic Genomics Laboratory, National Institutes of Health
No classification provided. Review status: no classification provided. Collection method: not provided. Allele origin: not provided. Not counted in ClinVar's aggregate classification.

NM_032119.4(ADGRV1):c.10872A>G (p.Gln3624=)

Gene: ADGRV1 (adhesion G protein-coupled receptor V1; plus strand). Cytogenetic location: 5q14.3.
Variant type: single nucleotide variant.
Coding change: c.10872A>G on transcript NM_032119.4 (MANE Select); coding-DNA position 10872, A replaced by G.
Protein change: p.Gln3624=; no amino-acid change (glutamine 3624 retained).
Molecular consequence: synonymous variant. On other transcripts: non-coding transcript variant (1).
Genome position (GRCh38, 1-based): chr5:90,745,693, A>G. VCF-style: chr5-90745693-A-G. GRCh37 (hg19) VCF-style: chr5-90041510-A-G.
Other names: p.Q3624Q:CAA>CAG; p.Gln3624=.
Identifiers: ClinVar variation 46252 (VCV000046252.22), dbSNP rs17624033, ClinGen allele CA137998.